The following is an entry in ClinVar:

ClinVar aggregate classification (germline): Uncertain significance (1 of 4 stars; one submission).

Allele frequency attached by ClinVar (database versions not stated): gnomAD exomes below 0.00001.
gnomAD v4.1: 2 of 1,614,156 alleles (0.00012%); highest among the groups gnomAD compares: Non-Finnish European, 0.00017%; no homozygotes.

Submission:

Labcorp Genetics (formerly Invitae), Labcorp
Classification: Uncertain significance. Last evaluated: 2022-07-19. Review status: criteria provided, single submitter. Criteria: Invitae Variant Classification Sherloc (09022015). Collection method: clinical testing. Allele origin: germline.
Comment: ClinVar contains an entry for this variant (Variation ID: 1379749). This variant has not been reported in the literature in individuals affected with TIMP3-related conditions. This variant is not present in population databases (gnomAD no frequency). This sequence change replaces arginine, which is basic and polar, with cysteine, which is neutral and slightly polar, at codon 107 of the TIMP3 protein (p.Arg107Cys). Algorithms developed to predict the effect of missense changes on protein structure and function (SIFT, PolyPhen-2, Align-GVGD) all suggest that this variant is likely to be disruptive. In summary, the available evidence is currently insufficient to determine the role of this variant in disease. Therefore, it has been classified as a Variant of Uncertain Significance.

NM_000362.5(TIMP3):c.319C>T (p.Arg107Cys)

Genes: SYN3 (synapsin III; minus strand), TIMP3 (TIMP metallopeptidase inhibitor 3; plus strand). Cytogenetic location: 22q12.3.
Variant type: single nucleotide variant.
Coding change: c.319C>T on transcript NM_000362.5 (MANE Select); coding-DNA position 319, C replaced by T.
Protein change: p.Arg107Cys; replaces arginine 107 with cysteine.
Molecular consequence: missense variant. On other transcripts: intron variant (7).
Genome position (GRCh38, 1-based): chr22:32,858,019, C>T. VCF-style: chr22-32858019-C-T. GRCh37 (hg19) VCF-style: chr22-33254006-C-T.
Other names: c.708+6896G>A (NM_001369909.1, NM_001135774.2, NM_001369910.1); c.711+6896G>A (NM_001369907.1, NM_003490.4, NM_001369908.1 and 1 more transcripts); short protein forms R107C.
Identifiers: ClinVar variation 1379749 (VCV001379749.6), dbSNP rs2146289367, ClinGen allele CA411539625.